The following is an entry in ClinVar:

ClinVar aggregate classification (germline): Benign. Review status: criteria provided, single submitter (1 of 4 stars). 2 submissions from 2 submitters: Benign (1). 1 of the submissions does not count toward it. Last evaluated 2026-01-06.

Conditions:
FMN1-related disorder. Also called: FMN1-related condition.

Allele frequency attached by ClinVar (database versions not stated): TOPMed 0.00045; 1000 Genomes Project 0.00120; 1000 Genomes Project 30x 0.00094.
gnomAD v4.1: 318 of 1,613,940 alleles (0.02%); highest among the groups gnomAD compares: East Asian, 0.55%; no homozygotes.

Submissions (2):

Labcorp Genetics (formerly Invitae), Labcorp
Classification: Benign. Last evaluated: 2026-01-06. Review status: criteria provided, single submitter. Criteria: Invitae Variant Classification Sherloc (09022015). Collection method: clinical testing. Allele origin: germline.

PreventionGenetics, part of Exact Sciences
Classification: Likely benign for FMN1-related condition. Last evaluated: 2022-01-31. Review status: no assertion criteria provided. Collection method: clinical testing. Allele origin: germline. Not counted in ClinVar's aggregate classification.
Comment: This variant is classified as likely benign based on ACMG/AMP sequence variant interpretation guidelines (Richards et al. 2015 PMID: 25741868, with internal and published modifications).

NM_001277313.2(FMN1):c.2044-1667G>A

Gene: FMN1 (formin 1; minus strand). Cytogenetic location: 15q13.3.
Variant type: single nucleotide variant.
Coding change: c.2044-1667G>A on transcript NM_001277313.2 (MANE Select); 1667 bases into the intron before coding-DNA position 2044, G replaced by A.
Molecular consequence: intron variant. On other transcripts: missense variant (1).
Genome position (GRCh38, 1-based): chr15:33,066,741, C>T on the plus strand (G>A on the coding strand, the complement: FMN1 is on the minus strand). VCF-style: chr15-33066741-C-T. GRCh37 (hg19) VCF-style: chr15-33358942-C-T.
Other names: c.1144G>A, p.Gly382Ser (NM_001103184.4); c.1144G>A (NM_001103184.3); short protein forms G382S.
Identifiers: ClinVar variation 2757847 (VCV002757847.5), dbSNP rs190781509, ClinGen allele CA7457168.
Genomic context (GRCh38, chr15:33,066,741, plus strand): 5'-GGGCTGTCTCTGGCGACTTTGGCTTGACCTCACCACCCTGGGTTTGTGGTACTCCAGGGC[C>T]GCTCTGGCTCTCTTGGTCAGCATTGCAGCCCATCTCTTCTCTCCTGGGCGACTCAGGGTC-3'